The following is an entry in ClinVar:

NM_198407.2(GHSR):c.1088G>A (p.Ser363Asn)

Gene: GHSR (growth hormone secretagogue receptor; minus strand). Cytogenetic location: 3q26.31.
Variant type: single nucleotide variant.
Coding change: c.1088G>A on transcript NM_198407.2 (MANE Select); coding-DNA position 1088, G replaced by A.
Protein change: p.Ser363Asn; replaces serine 363 with asparagine.
Molecular consequence: missense variant.
Genome position (GRCh38, 1-based): chr3:172,445,174, C>T on the plus strand (G>A on the coding strand, the complement: GHSR is on the minus strand). VCF-style: chr3-172445174-C-T. GRCh37 (hg19) VCF-style: chr3-172162964-C-T.
Other names: short protein forms S363N.
Identifiers: ClinVar variation 2869309 (VCV002869309.3), dbSNP rs761238826, ClinGen allele CA2706298.

ClinVar aggregate classification (germline): Uncertain significance (1 of 4 stars; one submission).

Allele frequency attached by ClinVar (database versions not stated): gnomAD exomes below 0.00001; ExAC 0.00001.

Submission:

Labcorp Genetics (formerly Invitae), Labcorp
Classification: Uncertain significance. Last evaluated: 2024-02-22. Review status: criteria provided, single submitter. Criteria: Invitae Variant Classification Sherloc (09022015). Collection method: clinical testing. Allele origin: germline.
Comment: This sequence change replaces serine, which is neutral and polar, with asparagine, which is neutral and polar, at codon 363 of the GHSR protein (p.Ser363Asn). This variant is present in population databases (rs761238826, gnomAD 0.006%). This variant has not been reported in the literature in individuals affected with GHSR-related conditions. An algorithm developed to predict the effect of missense changes on protein structure and function (PolyPhen-2) suggests that this variant is likely to be tolerated. In summary, the available evidence is currently insufficient to determine the role of this variant in disease. Therefore, it has been classified as a Variant of Uncertain Significance.